The following is an entry in ClinVar:

NM_000789.4(ACE):c.1489A>G (p.Thr497Ala)

Gene: ACE (angiotensin I converting enzyme; plus strand). Cytogenetic location: 17q23.3.
Variant type: single nucleotide variant.
Coding change: c.1489A>G on transcript NM_000789.4 (MANE Select); coding-DNA position 1489, A replaced by G.
Protein change: p.Thr497Ala; replaces threonine 497 with alanine.
Molecular consequence: missense variant.
Genome position (GRCh38, 1-based): chr17:63,483,461, A>G. VCF-style: chr17-63483461-A-G. GRCh37 (hg19) VCF-style: chr17-61560822-A-G.
Other names: c.922A>G, p.Thr308Ala (NM_001382700.1); c.637A>G, p.Thr213Ala (NM_001382701.1); c.1489A>G (NM_000789.3); short protein forms T308A, T213A, T497A.
Identifiers: ClinVar variation 3582482 (VCV003582482.2).

ClinVar aggregate classification (germline): Uncertain significance. Review status: criteria provided, multiple submitters, no conflicts (2 of 4 stars). 2 submissions from 2 submitters: Uncertain significance (2). Last evaluated 2025-09-18.

Conditions:
ACE-related disorder. Also called: ACE-related disorders; ACE-related condition.
Microvascular complications of diabetes, susceptibility to, 3. Identifiers: MedGen C2675470, MONDO:0012963, OMIM 612624.
Renal tubular dysgenesis of genetic origin. Also called: PRIMITIVE RENAL TUBULE SYNDROME. Identifiers: Orphanet 97369, MedGen C5681536, MONDO:0009970, OMIM 267430.
Hemorrhage, intracerebral, susceptibility to (ICH). Also called: Stroke, hemorrhagic, susceptibility to. Identifiers: MedGen C3281105, MONDO:0100533, OMIM 614519.

Submissions (2):

PreventionGenetics, part of Exact Sciences
Classification: Uncertain significance for ACE-related condition. Last evaluated: 2025-09-18. Review status: criteria provided, single submitter. Criteria: ACMG Guidelines, 2015. Collection method: clinical testing. Allele origin: germline.
Comment: The ACE c.1489A>G variant is predicted to result in the amino acid substitution p.Thr497Ala. To our knowledge, this variant has not been reported in the literature. This variant is reported in 0.00088% of alleles in individuals of European (Non-Finnish) descent in gnomAD. At this time, the clinical significance of this variant is uncertain due to the absence of conclusive functional and genetic evidence.

Fulgent Genetics
Classification: Uncertain significance for Renal tubular dysgenesis of genetic origin; Microvascular complications of diabetes, susceptibility to, 3; Hemorrhage, intracerebral, susceptibility to. Last evaluated: 2024-01-25. Review status: criteria provided, single submitter. Criteria: ACMG Guidelines, 2015. Collection method: clinical testing. Allele origin: germline.